The following is an entry in ClinVar:

ClinVar aggregate classification (germline): Benign/Likely benign. Review status: criteria provided, multiple submitters, no conflicts (2 of 4 stars). 6 submissions from 6 submitters: Benign (1); Likely benign (4). 1 of the submissions does not count toward it. Last evaluated 2026-01-24.

Conditions:
CACNA1A-related disorder. Also called: CACNA1A-related condition.
Episodic ataxia type 2 (EA2). Also called: ATAXIA, EPISODIC, WITH NYSTAGMUS; ATAXIA, FAMILIAL PAROXYSMAL; CEREBELLAR ATAXIA, PAROXYSMAL, ACETAZOLAMIDE-RESPONSIVE; CEREBELLOPATHY, HEREDITARY PAROXYSMAL; ACETAZOLAMIDE-RESPONSIVE HEREDITARY PAROXYSMAL CEREBELLAR ATAXIA; EPISODIC ATAXIA, NYSTAGMUS-ASSOCIATED. Identifiers: Orphanet 97, MedGen C1720416, MONDO:0007163, OMIM 108500.
Developmental and epileptic encephalopathy, 42 (DEE42A). Also called: Epileptic encephalopathy, early infantile, 42; EPILEPTIC ENCEPHALOPATHY, EARLY INFANTILE, 42A; DEVELOPMENTAL AND EPILEPTIC ENCEPHALOPATHY 42A. Identifiers: MedGen C4310716, MONDO:0014917, OMIM 617106.
Spinocerebellar ataxia type 6 (SCA6). Identifiers: Orphanet 98758, MedGen C0752124, MONDO:0008457, OMIM 183086.
Migraine, familial hemiplegic, 1. Also called: MIGRAINE, FAMILIAL HEMIPLEGIC 1, WITH PROGRESSIVE CEREBELLAR ATAXIA. Identifiers: Orphanet 569, MedGen C1832884, MONDO:0020756, OMIM 141500, MONDO:0007714.

Allele frequency attached by ClinVar (database versions not stated): gnomAD exomes 0.00007 and 0.00028; ESP Exome Variant Server 0.00008; gnomAD 0.00008 and 0.00009; TOPMed 0.00008; ExAC 0.00013.
gnomAD v4.1: 393 of 1,549,506 alleles (0.025%); highest among the groups gnomAD compares: Non-Finnish European, 0.034%; no homozygotes.

Submissions (6):

Labcorp Genetics (formerly Invitae), Labcorp
Classification: Likely benign for Developmental and epileptic encephalopathy, 42; Episodic ataxia type 2. Last evaluated: 2026-01-24. Review status: criteria provided, single submitter. Criteria: Invitae Variant Classification Sherloc (09022015). Collection method: clinical testing. Allele origin: germline.

Mayo Clinic Laboratories, Mayo Clinic
Classification: Likely benign. Last evaluated: 2025-05-20. Review status: criteria provided, single submitter. Criteria: ACMG Guidelines, 2015. Collection method: clinical testing. Allele origin: germline. Observed: 3 variant alleles.
Comment: BP4, BP7

Fulgent Genetics
Classification: Likely benign for Episodic ataxia type 2; Migraine, familial hemiplegic, 1; Spinocerebellar ataxia type 6; Developmental and epileptic encephalopathy, 42. Last evaluated: 2022-03-29. Review status: criteria provided, single submitter. Criteria: ACMG Guidelines, 2015. Collection method: clinical testing. Allele origin: unknown.

Athena Diagnostics
Classification: Benign. Last evaluated: 2021-03-19. Review status: criteria provided, single submitter. Criteria: Athena Diagnostics criteria. Collection method: clinical testing. Allele origin: unknown.

GeneDx
Classification: Likely benign. Last evaluated: 2020-09-03. Review status: criteria provided, single submitter. Criteria: GeneDx Variant Classification Process June 2021. Collection method: clinical testing. Allele origin: germline. Affected: yes.

PreventionGenetics, part of Exact Sciences
Classification: Likely benign for CACNA1A-related condition. Last evaluated: 2024-01-09. Review status: no assertion criteria provided. Collection method: clinical testing. Allele origin: germline. Not counted in ClinVar's aggregate classification.
Comment: This variant is classified as likely benign based on ACMG/AMP sequence variant interpretation guidelines (Richards et al. 2015 PMID: 25741868, with internal and published modifications).

NM_001127222.2(CACNA1A):c.979-10C>A

Genes: CACNA1A (calcium voltage-gated channel subunit alpha1 A; minus strand), LOC126862866 (MED14-independent group 3 enhancer GRCh37_chr19:13445719-13446918; plus strand). Cytogenetic location: 19p13.13.
Variant type: single nucleotide variant.
Coding change: c.979-10C>A on transcript NM_001127222.2 (MANE Select); 10 bases into the intron before coding-DNA position 979, C replaced by A.
Molecular consequence: intron variant.
Genome position (GRCh38, 1-based): chr19:13,335,919, G>T on the plus strand (C>A on the coding strand, the complement: CACNA1A is on the minus strand). VCF-style: chr19-13335919-G-T. GRCh37 (hg19) VCF-style: chr19-13446733-G-T.
Other names: p.?; c.979-10C>A (NM_000068.2, NM_001127221.2, NM_001174080.2 and 3 more transcripts).
Identifiers: ClinVar variation 774390 (VCV000774390.19), dbSNP rs374647321, ClinGen allele CA9240931.
Genomic context (GRCh38, chr19:13,335,919, plus strand): 5'-GAGGGGGATGAAGTACAACCAGTTCCAAGTGTTCCCTGAGGCATCGTTGCTCTGTAGGGT[G>T]TGAGGAGGGAAAGCAGGTGAGAGTTGACTGGGACTCAGATAGAACCTGACAGGTGAGGGA-3'